The following is an entry in ClinVar:

ClinVar aggregate classification (germline): Uncertain significance. Review status: criteria provided, multiple submitters, no conflicts (2 of 4 stars). 6 submissions from 6 submitters: Uncertain significance (5). 1 of the submissions does not count toward it. Last evaluated 2025-08-27.

Conditions:
NOTCH2-related disorder. Also called: NOTCH2-related condition.
Alagille syndrome due to a NOTCH2 point mutation. Also called: Alagille syndrome 2. Identifiers: Orphanet 261629, Orphanet 52, MedGen C1857761, MONDO:0012439, OMIM 610205.
Hajdu-Cheney syndrome (HJCYS). Also called: ACROOSTEOLYSIS WITH OSTEOPOROSIS AND CHANGES IN SKULL AND MANDIBLE; SERPENTINE FIBULA-POLYCYSTIC KIDNEY SYNDROME; Acroosteolysis dominant type. Identifiers: Orphanet 955, MedGen C0917715, MONDO:0007057, OMIM 102500.

Allele frequency attached by ClinVar (database versions not stated): gnomAD 0.00001; gnomAD exomes 0.00001 and 0.00004; ExAC 0.00002; TOPMed 0.00002.
gnomAD v4.1: 15 of 1,613,956 alleles (0.00093%); highest among the groups gnomAD compares: Admixed American, 0.022%; no homozygotes.

Submissions (6):

PreventionGenetics, part of Exact Sciences
Classification: Uncertain significance for NOTCH2-related condition. Last evaluated: 2025-08-27. Review status: criteria provided, single submitter. Criteria: ACMG Guidelines, 2015. Collection method: clinical testing. Allele origin: germline.
Comment: The NOTCH2 c.3388G>A variant is predicted to result in the amino acid substitution p.Gly1130Ser. To our knowledge, this variant has not been reported in the literature in patients with a NOTCH2 related disorder. This variant is reported in 0.028% of alleles in individuals of Latino descent in gnomAD. At this time, the clinical significance of this variant is uncertain due to the absence of conclusive functional and genetic evidence.

Labcorp Genetics (formerly Invitae), Labcorp
Classification: Uncertain significance for Hajdu-Cheney syndrome. Last evaluated: 2025-06-29. Review status: criteria provided, single submitter. Criteria: Invitae Variant Classification Sherloc (09022015). Collection method: clinical testing. Allele origin: germline.
Comment: This sequence change replaces glycine, which is neutral and non-polar, with serine, which is neutral and polar, at codon 1130 of the NOTCH2 protein (p.Gly1130Ser). This variant is present in population databases (rs782078365, gnomAD 0.03%). This variant has not been reported in the literature in individuals affected with NOTCH2-related conditions. ClinVar contains an entry for this variant (Variation ID: 134966). Invitae Evidence Modeling of protein sequence and biophysical properties (such as structural, functional, and spatial information, amino acid conservation, physicochemical variation, residue mobility, and thermodynamic stability) indicates that this missense variant is not expected to disrupt NOTCH2 protein function with a negative predictive value of 80%. In summary, the available evidence is currently insufficient to determine the role of this variant in disease. Therefore, it has been classified as a Variant of Uncertain Significance.

Fulgent Genetics
Classification: Uncertain significance for Hajdu-Cheney syndrome; Alagille syndrome due to a NOTCH2 point mutation. Last evaluated: 2021-12-09. Review status: criteria provided, single submitter. Criteria: ACMG Guidelines, 2015. Collection method: clinical testing. Allele origin: unknown.

Revvity Omics, Revvity
Classification: Uncertain significance. Last evaluated: 2021-05-05. Review status: criteria provided, single submitter. Criteria: ACMG Guidelines, 2015. Collection method: clinical testing. Allele origin: germline.

Eurofins Ntd Llc (ga)
Classification: Uncertain significance. Last evaluated: 2018-01-19. Review status: criteria provided, single submitter. Criteria: EGL Classification Definitions 2015. Collection method: clinical testing. Allele origin: germline. Observed: 1 variant allele, 1 heterozygote.

ITMI
No classification provided. Condition: AllHighlyPenetrant. Last evaluated: 2013-09-19. Review status: no classification provided. Collection method: reference population. Allele origin: germline. Not counted in ClinVar's aggregate classification.
Comment: Please see associated publication for description of ethnicities

Literature cited by the submitters: PubMed 24728327 (cited by ITMI).

NM_024408.4(NOTCH2):c.3388G>A (p.Gly1130Ser)

Gene: NOTCH2 (notch receptor 2; minus strand). Cytogenetic location: 1p12.
Variant type: single nucleotide variant.
Coding change: c.3388G>A on transcript NM_024408.4 (MANE Select); coding-DNA position 3388, G replaced by A.
Protein change: p.Gly1130Ser; replaces glycine 1130 with serine.
Molecular consequence: missense variant.
Genome position (GRCh38, 1-based): chr1:119,937,416, C>T on the plus strand (G>A on the coding strand, the complement: NOTCH2 is on the minus strand). VCF-style: chr1-119937416-C-T. GRCh37 (hg19) VCF-style: chr1-120480039-C-T.
Other names: c.3388G>A, p.Gly1130Ser (NM_001200001.2); c.3388G>A (NM_024408.3); short protein forms G1130S.
Identifiers: ClinVar variation 134966 (VCV000134966.15), dbSNP rs782078365, ClinGen allele CA161259.